The following is an entry in ClinVar:

ClinVar aggregate classification (germline): Uncertain significance (1 of 4 stars; one submission).

Conditions:
Hereditary pancreatitis (PCTT). Also called: Hereditary chronic pancreatitis; PRSS1-Related Hereditary Pancreatitis. Identifiers: Orphanet 676, MedGen C0238339, MONDO:0008185, OMIM 167800.

Submission:

Ambry Genetics
Classification: Uncertain significance for Hereditary pancreatitis. Last evaluated: 2025-04-19. Review status: criteria provided, single submitter. Criteria: Ambry Variant Classification Scheme 2023. Collection method: clinical testing. Allele origin: germline.
Comment: The p.Q211H variant (also known as c.633A>C), located in coding exon 5 of the PRSS1 gene, results from an A to C substitution at nucleotide position 633. The glutamine at codon 211 is replaced by histidine, an amino acid with highly similar properties. This amino acid position is conserved. In addition, the in silico prediction for this alteration is inconclusive. Based on the available evidence, the clinical significance of this variant remains unclear.

NM_002769.5(PRSS1):c.633A>C (p.Gln211His)

Genes: PRSS1 (serine protease 1; plus strand), TRB (T cell receptor beta locus; plus strand). Cytogenetic location: 7q34.
Variant type: single nucleotide variant.
Coding change: c.633A>C on transcript NM_002769.5 (MANE Select); coding-DNA position 633, A replaced by C.
Protein change: p.Gln211His; replaces glutamine 211 with histidine.
Molecular consequence: missense variant. On other transcripts: non-coding transcript variant (5).
Genome position (GRCh38, 1-based): chr7:142,752,909, A>C. VCF-style: chr7-142752909-A-C. GRCh37 (hg19) VCF-style: chr7-142460760-A-C.
Other names: short protein forms Q211H.
Identifiers: ClinVar variation 3939036 (VCV003939036.1).